The following is an entry in ClinVar:

NM_006445.4(PRPF8):c.5318C>T (p.Ser1773Phe)

Gene: PRPF8 (pre-mRNA processing factor 8; minus strand). Cytogenetic location: 17p13.3.
Variant type: single nucleotide variant.
Coding change: c.5318C>T on transcript NM_006445.4 (MANE Select); coding-DNA position 5318, C replaced by T.
Protein change: p.Ser1773Phe; replaces serine 1773 with phenylalanine.
Molecular consequence: missense variant.
Genome position (GRCh38, 1-based): chr17:1,658,584, G>A on the plus strand (C>T on the coding strand, the complement: PRPF8 is on the minus strand). VCF-style: chr17-1658584-G-A. GRCh37 (hg19) VCF-style: chr17-1561878-G-A.
Other names: short protein forms S1773F.
Identifiers: ClinVar variation 3653674 (VCV003653674.2).
Genomic context (GRCh38, chr17:1,658,584, plus strand): 5'-ACCTTGTGAATAGTCACTCTGTAGACGTTGGTGTCATCCACAAACCAGATAATCTGGTTG[G>A]AGAAGAGCTCACCATAGTTCTGAGAAGACAAATAAGGCTCAGTGGGTTCAGATGAATAGA-3'
Protein context (NP_006436.3, residues 1763-1783): LSSQNYGELF[Ser1773Phe]NQIIWFVDDT

ClinVar aggregate classification (germline): Uncertain significance (1 of 4 stars; one submission).

Submission:

Labcorp Genetics (formerly Invitae), Labcorp
Classification: Uncertain significance. Last evaluated: 2024-05-22. Review status: criteria provided, single submitter. Criteria: Invitae Variant Classification Sherloc (09022015). Collection method: clinical testing. Allele origin: germline.
Comment: This sequence change replaces serine, which is neutral and polar, with phenylalanine, which is neutral and non-polar, at codon 1773 of the PRPF8 protein (p.Ser1773Phe). This variant is not present in population databases (gnomAD no frequency). This variant has not been reported in the literature in individuals affected with PRPF8-related conditions. Advanced modeling of protein sequence and biophysical properties (such as structural, functional, and spatial information, amino acid conservation, physicochemical variation, residue mobility, and thermodynamic stability) has been performed at Invitae for this missense variant, however the output from this modeling did not meet the statistical confidence thresholds required to predict the impact of this variant on PRPF8 protein function. In summary, the available evidence is currently insufficient to determine the role of this variant in disease. Therefore, it has been classified as a Variant of Uncertain Significance.